The following is an entry in ClinVar:

ClinVar aggregate classification (germline): Uncertain significance. Review status: criteria provided, multiple submitters, no conflicts (2 of 4 stars). 2 submissions from 2 submitters: Uncertain significance (2). Last evaluated 2024-12-08.

Conditions:
Hereditary sensory and autonomic neuropathy type 1 (HSAN1). Also called: HSAN 1; Hereditary Sensory Neuropathy Type I; HSN Type I. Identifiers: Orphanet 36386, MedGen C0020071, MONDO:0018213.

Allele frequency attached by ClinVar (database versions not stated): TOPMed 0.00006; gnomAD 0.00001.
gnomAD v4.1: 20 of 1,613,986 alleles (0.0012%); highest among the groups gnomAD compares: Non-Finnish European, 0.0016%; no homozygotes.

Submissions (2):

Labcorp Genetics (formerly Invitae), Labcorp
Classification: Uncertain significance for Hereditary sensory and autonomic neuropathy type 1. Last evaluated: 2024-12-08. Review status: criteria provided, single submitter. Criteria: Invitae Variant Classification Sherloc (09022015). Collection method: clinical testing. Allele origin: germline.
Comment: This sequence change replaces threonine, which is neutral and polar, with alanine, which is neutral and non-polar, at codon 158 of the SPTLC1 protein (p.Thr158Ala). This variant is present in population databases (no rsID available, gnomAD 0.002%). This variant has not been reported in the literature in individuals affected with SPTLC1-related conditions. ClinVar contains an entry for this variant (Variation ID: 426856). Invitae Evidence Modeling of protein sequence and biophysical properties (such as structural, functional, and spatial information, amino acid conservation, physicochemical variation, residue mobility, and thermodynamic stability) indicates that this missense variant is not expected to disrupt SPTLC1 protein function with a negative predictive value of 80%. In summary, the available evidence is currently insufficient to determine the role of this variant in disease. Therefore, it has been classified as a Variant of Uncertain Significance.

GeneDx
Classification: Uncertain significance. Last evaluated: 2017-03-30. Review status: criteria provided, single submitter. Criteria: GeneDx Variant Classification (06012015). Collection method: clinical testing. Allele origin: germline. Affected: yes.
Comment: A variant of uncertain significance has been identified in the SPTLC1 gene. The T158A variant has not been published as a pathogenic variant, nor has it been reported as a benign variant to our knowledge. The T158A variant is not observed in large population cohorts (Lek et al., 2016; 1000 Genomes Consortium et al., 2015; Exome Variant Server). The T158A variant is a non-conservative amino acid substitution, which is likely to impact secondary protein structure as these residues differ in polarity, charge, size and/or other properties. This substitution occurs at a position that is conserved in mammals. However, in silico analysis is inconsistent in its predictions as to whether or not the variant is damaging to the protein structure/function. Therefore, based on the currently available information, it is unclear whether this variant is a pathogenic variant or a rare benign variant.

NM_006415.4(SPTLC1):c.472A>G (p.Thr158Ala)

Gene: SPTLC1 (serine palmitoyltransferase long chain base subunit 1; minus strand). Cytogenetic location: 9q22.31.
Variant type: single nucleotide variant.
Coding change: c.472A>G on transcript NM_006415.4 (MANE Select); coding-DNA position 472, A replaced by G.
Protein change: p.Thr158Ala; replaces threonine 158 with alanine.
Molecular consequence: missense variant.
Genome position (GRCh38, 1-based): chr9:92,068,054, T>C on the plus strand (A>G on the coding strand, the complement: SPTLC1 is on the minus strand). VCF-style: chr9-92068054-T-C. GRCh37 (hg19) VCF-style: chr9-94830336-T-C.
Other names: c.472A>G (LRG_272t1); c.472A>G, p.Thr158Ala (NM_001281303.2); c.106A>G, p.Thr36Ala (NM_001368272.1); c.7A>G, p.Thr3Ala (NM_001368273.1); short protein forms T158A, T36A, T3A.
Identifiers: ClinVar variation 426856 (VCV000426856.8), dbSNP rs779810169, ClinGen allele CA195402081.